The following is an entry in ClinVar:

ClinVar aggregate classification (germline): Pathogenic (1 of 4 stars; one submission).

Conditions:
WWOX-related disorder. Also called: WWOX-related condition.

Submission:

PreventionGenetics, part of Exact Sciences
Classification: Pathogenic for WWOX-related condition. Last evaluated: 2023-01-27. Review status: criteria provided, single submitter. Criteria: ACMG Guidelines, 2015. Collection method: clinical testing. Allele origin: germline.
Comment: The WWOX c.409_409+14del15 variant is predicted to result in a deletion affecting a canonical splice site. To our knowledge, this variant has not been reported in the literature or in a large population database, indicating this variant is rare. Variants that disrupt the consensus splice donor site in WWOX are expected to be pathogenic. This variant is interpreted as pathogenic.

NM_016373.4(WWOX):c.409_409+14del

Gene: WWOX (WW domain containing oxidoreductase; plus strand). Cytogenetic location: 16q23.1.
Variant type: Deletion.
Coding change: c.409_409+14del on transcript NM_016373.4 (MANE Select); coding-DNA position 409 through 14 bases into the intron after coding-DNA position 409, 15 bases deleted (GGTAGGCTCTTCACT).
Molecular consequence: splice donor variant.
Genome position (GRCh38, 1-based): chr16:78,115,154-78,115,168, GGTAGGCTCTTCACT deleted. VCF-style (leftmost placement, unchanged base first): chr16-78115153-AGGTAGGCTCTTCACT-A. GRCh37 (hg19) VCF-style: chr16-78149050-AGGTAGGCTCTTCACT-A.
Other names: c.70_70+14del (NM_001291997.2); c.409_409+14del (NM_130791.5).
Identifiers: ClinVar variation 2629747 (VCV002629747.1), dbSNP rs2507215578, ClinGen allele CA2695197683.